The following is an entry in ClinVar:

NM_015488.5(PNKD):c.1067C>T (p.Pro356Leu)

Genes: CATIP-AS2 (CATIP antisense RNA 2; minus strand), PNKD (PNKD metallo-beta-lactamase domain containing; plus strand). Cytogenetic location: 2q35.
Variant type: single nucleotide variant.
Coding change: c.1067C>T on transcript NM_015488.5 (MANE Select); coding-DNA position 1067, C replaced by T.
Protein change: p.Pro356Leu; replaces proline 356 with leucine.
Molecular consequence: missense variant.
Genome position (GRCh38, 1-based): chr2:218,344,890, C>T. VCF-style: chr2-218344890-C-T. GRCh37 (hg19) VCF-style: chr2-219209613-C-T.
Other names: c.995C>T, p.Pro332Leu (NM_022572.5); short protein forms P356L, P332L.
Identifiers: ClinVar variation 468622 (VCV000468622.8), dbSNP rs1553516179, ClinGen allele CA350543830.

ClinVar aggregate classification (germline): Uncertain significance. Review status: criteria provided, multiple submitters, no conflicts (2 of 4 stars). 2 submissions from 2 submitters: Uncertain significance (2). Last evaluated 2024-01-29.

Conditions:
Inborn genetic diseases. Identifiers: MedGen C0950123, MeSH D030342.
Paroxysmal nonkinesigenic dyskinesia. Also called: Paroxysmal non-kinesigenic dyskinesia. Identifiers: Orphanet 98810, MedGen C1869117, MONDO:0700088.

Allele frequency attached by ClinVar (database versions not stated): gnomAD 0.00001; TOPMed 0.00001.
gnomAD v4.1: 12 of 1,613,752 alleles (0.00074%); highest among the groups gnomAD compares: African/African-American, 0.0013%; no homozygotes.

Submissions (2):

Ambry Genetics
Classification: Uncertain significance for Inborn genetic diseases. Last evaluated: 2024-01-29. Review status: criteria provided, single submitter. Criteria: Ambry Variant Classification Scheme 2023. Collection method: clinical testing. Allele origin: germline.

Labcorp Genetics (formerly Invitae), Labcorp
Classification: Uncertain significance for Paroxysmal nonkinesigenic dyskinesia. Last evaluated: 2022-07-12. Review status: criteria provided, single submitter. Criteria: Invitae Variant Classification Sherloc (09022015). Collection method: clinical testing. Allele origin: germline.
Comment: This sequence change replaces proline, which is neutral and non-polar, with leucine, which is neutral and non-polar, at codon 356 of the PNKD protein (p.Pro356Leu). This variant is not present in population databases (gnomAD no frequency). This variant has not been reported in the literature in individuals affected with PNKD-related conditions. ClinVar contains an entry for this variant (Variation ID: 468622). Algorithms developed to predict the effect of missense changes on protein structure and function (SIFT, PolyPhen-2, Align-GVGD) all suggest that this variant is likely to be tolerated. In summary, the available evidence is currently insufficient to determine the role of this variant in disease. Therefore, it has been classified as a Variant of Uncertain Significance.